The following is an entry in ClinVar:

ClinVar aggregate classification (germline): Uncertain significance (1 of 4 stars; one submission).

Submission:

Labcorp Genetics (formerly Invitae), Labcorp
Classification: Uncertain significance. Last evaluated: 2023-07-08. Review status: criteria provided, single submitter. Criteria: Invitae Variant Classification Sherloc (09022015). Collection method: clinical testing. Allele origin: germline.
Comment: In summary, the available evidence is currently insufficient to determine the role of this variant in disease. Therefore, it has been classified as a Variant of Uncertain Significance. An algorithm developed to predict the effect of missense changes on protein structure and function (PolyPhen-2) suggests that this variant is likely to be tolerated. This variant has not been reported in the literature in individuals affected with NEXMIF-related conditions. This variant is not present in population databases (gnomAD no frequency). This sequence change replaces serine, which is neutral and polar, with arginine, which is basic and polar, at codon 883 of the NEXMIF protein (p.Ser883Arg).

NM_001008537.3(NEXMIF):c.2649C>A (p.Ser883Arg)

Gene: NEXMIF (neurite extension and migration factor; minus strand). Cytogenetic location: Xq13.3.
Variant type: single nucleotide variant.
Coding change: c.2649C>A on transcript NM_001008537.3 (MANE Select); coding-DNA position 2649, C replaced by A.
Protein change: p.Ser883Arg; replaces serine 883 with arginine.
Molecular consequence: missense variant.
Genome position (GRCh38, 1-based): chrX:74,741,908, G>T on the plus strand (C>A on the coding strand, the complement: NEXMIF is on the minus strand). VCF-style: chrX-74741908-G-T. GRCh37 (hg19) VCF-style: chrX-73961743-G-T.
Other names: short protein forms S883R.
Identifiers: ClinVar variation 2854074 (VCV002854074.3), dbSNP rs2080105905, ClinGen allele CA413667747.